The following is an entry in ClinVar:

ClinVar aggregate classification (germline): Uncertain significance (1 of 4 stars; one submission).

Allele frequency attached by ClinVar (database versions not stated): TOPMed below 0.00001.

Submission:

Labcorp Genetics (formerly Invitae), Labcorp
Classification: Uncertain significance. Last evaluated: 2025-05-26. Review status: criteria provided, single submitter. Criteria: Invitae Variant Classification Sherloc (09022015). Collection method: clinical testing. Allele origin: germline.
Comment: This sequence change affects codon 153 of the KLHL9 mRNA. It is a 'silent' change, meaning that it does not change the encoded amino acid sequence of the KLHL9 protein. This variant is not present in population databases (gnomAD no frequency). This variant has not been reported in the literature in individuals affected with KLHL9-related conditions. ClinVar contains an entry for this variant (Variation ID: 3007143). In summary, the available evidence is currently insufficient to determine the role of this variant in disease. Therefore, it has been classified as a Variant of Uncertain Significance.

NM_018847.4(KLHL9):c.459C>T (p.Asn153=)

Gene: KLHL9 (kelch like family member 9; minus strand). Cytogenetic location: 9p21.3.
Variant type: single nucleotide variant.
Coding change: c.459C>T on transcript NM_018847.4 (MANE Select); coding-DNA position 459, C replaced by T.
Protein change: p.Asn153=; no amino-acid change (asparagine 153 retained).
Molecular consequence: synonymous variant.
Genome position (GRCh38, 1-based): chr9:21,334,401, G>A on the plus strand (C>T on the coding strand, the complement: KLHL9 is on the minus strand). VCF-style: chr9-21334401-G-A. GRCh37 (hg19) VCF-style: chr9-21334400-G-A.
Identifiers: ClinVar variation 3007143 (VCV003007143.3), dbSNP rs1820229334, ClinGen allele CA464259753.